The following is an entry in ClinVar:

NM_001297.5(CNGB1):c.2122G>A (p.Val708Met)

Gene: CNGB1 (cyclic nucleotide gated channel subunit beta 1; minus strand). Cytogenetic location: 16q21.
Variant type: single nucleotide variant.
Coding change: c.2122G>A on transcript NM_001297.5 (MANE Select); coding-DNA position 2122, G replaced by A.
Protein change: p.Val708Met; replaces valine 708 with methionine.
Molecular consequence: missense variant.
Genome position (GRCh38, 1-based): chr16:57,917,312, C>T on the plus strand (G>A on the coding strand, the complement: CNGB1 is on the minus strand). VCF-style: chr16-57917312-C-T. GRCh37 (hg19) VCF-style: chr16-57951216-C-T.
Other names: c.2104G>A, p.Val702Met (NM_001286130.2); short protein forms V702M, V708M.
Identifiers: ClinVar variation 1935084 (VCV001935084.3), dbSNP rs1960896249, ClinGen allele CA396064068.

ClinVar aggregate classification (germline): Uncertain significance (1 of 4 stars; one submission).

Allele frequency attached by ClinVar (database versions not stated): gnomAD exomes below 0.00001; TOPMed below 0.00001.
gnomAD v4.1: 7 of 1,614,096 alleles (0.00043%); highest among the groups gnomAD compares: East Asian, 0.0045%; no homozygotes.

Submission:

Labcorp Genetics (formerly Invitae), Labcorp
Classification: Uncertain significance. Last evaluated: 2022-08-01. Review status: criteria provided, single submitter. Criteria: Invitae Variant Classification Sherloc (09022015). Collection method: clinical testing. Allele origin: germline.
Comment: This sequence change replaces valine, which is neutral and non-polar, with methionine, which is neutral and non-polar, at codon 708 of the CNGB1 protein (p.Val708Met). This variant is not present in population databases (gnomAD no frequency). This variant has not been reported in the literature in individuals affected with CNGB1-related conditions. Advanced modeling of protein sequence and biophysical properties (such as structural, functional, and spatial information, amino acid conservation, physicochemical variation, residue mobility, and thermodynamic stability) performed at Invitae indicates that this missense variant is not expected to disrupt CNGB1 protein function. In summary, the available evidence is currently insufficient to determine the role of this variant in disease. Therefore, it has been classified as a Variant of Uncertain Significance.